The following is an entry in ClinVar:

NM_004387.4(NKX2-5):c.480G>T (p.Gln160His)

Gene: NKX2-5 (NK2 homeobox 5; minus strand). Cytogenetic location: 5q35.1.
Variant type: single nucleotide variant.
Coding change: c.480G>T on transcript NM_004387.4 (MANE Select); coding-DNA position 480, G replaced by T.
Protein change: p.Gln160His; replaces glutamine 160 with histidine.
Molecular consequence: missense variant. On other transcripts: 3 prime UTR variant (2).
Genome position (GRCh38, 1-based): chr5:173,233,064, C>A on the plus strand (G>T on the coding strand, the complement: NKX2-5 is on the minus strand). VCF-style: chr5-173233064-C-A. GRCh37 (hg19) VCF-style: chr5-172660067-C-A.
Other names: c.*433G>T (NM_001166175.2); c.*279G>T (NM_001166176.2); short protein forms Q160H.
Identifiers: ClinVar variation 2586640 (VCV002586640.2), dbSNP rs757925015, ClinGen allele CA362161775.

ClinVar aggregate classification (germline): Uncertain significance (1 of 4 stars; one submission).

Conditions:
Cardiovascular phenotype. Identifiers: MedGen CN230736.

Submission:

Ambry Genetics
Classification: Uncertain significance for Cardiovascular phenotype. Last evaluated: 2023-07-13. Review status: criteria provided, single submitter. Criteria: Ambry Variant Classification Scheme 2023. Collection method: clinical testing. Allele origin: germline.
Comment: The p.Q160H variant (also known as c.480G>T), located in coding exon 2 of the NKX2-5 gene, results from a G to T substitution at nucleotide position 480. The glutamine at codon 160 is replaced by histidine, an amino acid with highly similar properties. This amino acid position is highly conserved in available vertebrate species. In addition, this alteration is predicted to be deleterious by in silico analysis. Since supporting evidence is limited at this time, the clinical significance of this alteration remains unclear.